The following is an entry in ClinVar:

NM_000268.4(NF2):c.59A>C (p.Lys20Thr)

Gene: NF2 (NF2, moesin-ezrin-radixin like (MERLIN) tumor suppressor; plus strand). Cytogenetic location: 22q12.2.
Variant type: single nucleotide variant.
Coding change: c.59A>C on transcript NM_000268.4 (MANE Select); coding-DNA position 59, A replaced by C.
Protein change: p.Lys20Thr; replaces lysine 20 with threonine.
Molecular consequence: missense variant. On other transcripts: 5 prime UTR variant (4), non-coding transcript variant (1).
Genome position (GRCh38, 1-based): chr22:29,604,057, A>C. VCF-style: chr22-29604057-A-C. GRCh37 (hg19) VCF-style: chr22-30000046-A-C.
Other names: c.-172A>C (NM_001407053.1, NM_001407056.1); c.59A>C, p.Lys20Thr (NM_001407054.1, NM_001407055.1, NM_001407057.1 and 15 more transcripts); c.-582A>C (NM_001407065.1); c.-198A>C (NM_001407067.1); short protein forms K20T.
Identifiers: ClinVar variation 2568050 (VCV002568050.2), dbSNP rs2064715710, ClinGen allele CA411146002.

ClinVar aggregate classification (germline): Uncertain significance (1 of 4 stars; one submission).

Conditions:
Hereditary cancer-predisposing syndrome. Also called: Hereditary neoplastic syndrome; Hereditary Cancer Syndrome; Neoplastic Syndromes, Hereditary; Tumor predisposition. Identifiers: Orphanet 140162, MedGen C0027672, MeSH D009386, MONDO:0015356.

Submission:

Ambry Genetics
Classification: Uncertain significance for Hereditary cancer-predisposing syndrome. Last evaluated: 2023-04-19. Review status: criteria provided, single submitter. Criteria: Ambry Variant Classification Scheme 2023. Collection method: clinical testing. Allele origin: germline.
Comment: The p.K20T variant (also known as c.59A>C), located in coding exon 1 of the NF2 gene, results from an A to C substitution at nucleotide position 59. The lysine at codon 20 is replaced by threonine, an amino acid with similar properties. This amino acid position is conserved. In addition, the in silico prediction for this alteration is inconclusive. Since supporting evidence is limited at this time, the clinical significance of this alteration remains unclear.